The following is an entry in ClinVar:

NM_020433.5(JPH2):c.499C>T (p.Arg167Cys)

Gene: JPH2 (junctophilin 2; minus strand). Cytogenetic location: 20q13.12.
Variant type: single nucleotide variant.
Coding change: c.499C>T on transcript NM_020433.5 (MANE Select); coding-DNA position 499, C replaced by T.
Protein change: p.Arg167Cys; replaces arginine 167 with cysteine.
Molecular consequence: missense variant.
Genome position (GRCh38, 1-based): chr20:44,160,288, G>A on the plus strand (C>T on the coding strand, the complement: JPH2 is on the minus strand). VCF-style: chr20-44160288-G-A. GRCh37 (hg19) VCF-style: chr20-42788928-G-A.
Other names: short protein forms R167C.
Identifiers: ClinVar variation 1744642 (VCV001744642.2), dbSNP rs1394260721, ClinGen allele CA409094266.

ClinVar aggregate classification (germline): Uncertain significance (1 of 4 stars; one submission).

Conditions:
Cardiovascular phenotype. Identifiers: MedGen CN230736.

Submission:

Ambry Genetics
Classification: Uncertain significance for Cardiovascular phenotype. Last evaluated: 2021-05-27. Review status: criteria provided, single submitter. Criteria: Ambry Variant Classification Scheme 2023. Collection method: clinical testing. Allele origin: germline.
Comment: The p.R167C variant (also known as c.499C>T), located in coding exon 2 of the JPH2 gene, results from a C to T substitution at nucleotide position 499. The arginine at codon 167 is replaced by cysteine, an amino acid with highly dissimilar properties. This amino acid position is highly conserved in available vertebrate species. In addition, this alteration is predicted to be deleterious by in silico analysis. Since supporting evidence is limited at this time, the clinical significance of this alteration remains unclear.